The following is an entry in ClinVar:

ClinVar aggregate classification (germline): Likely benign (1 of 4 stars; one submission).

Allele frequency attached by ClinVar (database versions not stated): gnomAD 0.00001; TOPMed 0.00001; gnomAD exomes 0.00006.
gnomAD v4.1: 93 of 1,612,176 alleles (0.0058%); highest among the groups gnomAD compares: Non-Finnish European, 0.0075%; no homozygotes.

Submission:

CeGaT Center for Human Genetics Tuebingen
Classification: Likely benign. Last evaluated: 2024-02-01. Review status: criteria provided, single submitter. Criteria: CeGaT Center For Human Genetics Tuebingen Variant Classification Criteria Version 2. Collection method: clinical testing. Allele origin: germline. Affected: yes. Observed: 1 variant allele.
Comment: MACF1: BP4

NM_001394062.1(MACF1):c.10432-5C>T

Gene: MACF1 (microtubule actin crosslinking factor 1; plus strand). Cytogenetic location: 1p34.3.
Variant type: single nucleotide variant.
Coding change: c.10432-5C>T on transcript NM_001394062.1 (MANE Select); 5 bases into the intron before coding-DNA position 10432, C replaced by T.
Molecular consequence: intron variant.
Genome position (GRCh38, 1-based): chr1:39,340,799, C>T. VCF-style: chr1-39340799-C-T. GRCh37 (hg19) VCF-style: chr1-39806471-C-T.
Other names: c.4630-8679C>T (NM_012090.5).
Identifiers: ClinVar variation 3026217 (VCV003026217.22), dbSNP rs1261156653, ClinGen allele CA522801117.
Genomic context (GRCh38, chr1:39,340,799, plus strand): 5'-TAAAGGCTCACAAAGTCTGGGTGGCTGGGAGATTTTCATAATGTGATTTTCCATTTATTT[C>T]TTAGACTAAAGTGTTAAATCAGCACACACAGCTAGAAGGCCGACTTCAAGATCTGAGAGC-3'